The following is an entry in ClinVar:

ClinVar aggregate classification (germline): Uncertain significance (1 of 4 stars; one submission).

Submission:

Labcorp Genetics (formerly Invitae), Labcorp
Classification: Uncertain significance. Last evaluated: 2024-12-18. Review status: criteria provided, single submitter. Criteria: Invitae Variant Classification Sherloc (09022015). Collection method: clinical testing. Allele origin: germline.
Comment: This sequence change replaces valine, which is neutral and non-polar, with methionine, which is neutral and non-polar, at codon 230 of the WNT5A protein (p.Val230Met). This variant is not present in population databases (gnomAD no frequency). This variant has not been reported in the literature in individuals affected with WNT5A-related conditions. Invitae Evidence Modeling of protein sequence and biophysical properties (such as structural, functional, and spatial information, amino acid conservation, physicochemical variation, residue mobility, and thermodynamic stability) has been performed for this missense variant. However, the output from this modeling did not meet the statistical confidence thresholds required to predict the impact of this variant on WNT5A protein function. In summary, the available evidence is currently insufficient to determine the role of this variant in disease. Therefore, it has been classified as a Variant of Uncertain Significance.

NM_003392.7(WNT5A):c.688G>A (p.Val230Met)

Gene: WNT5A (Wnt family member 5A; minus strand). Cytogenetic location: 3p14.3.
Variant type: single nucleotide variant.
Coding change: c.688G>A on transcript NM_003392.7 (MANE Select); coding-DNA position 688, G replaced by A.
Protein change: p.Val230Met; replaces valine 230 with methionine.
Molecular consequence: missense variant.
Genome position (GRCh38, 1-based): chr3:55,470,547, C>T on the plus strand (G>A on the coding strand, the complement: WNT5A is on the minus strand). VCF-style: chr3-55470547-C-T. GRCh37 (hg19) VCF-style: chr3-55504575-C-T.
Other names: c.643G>A, p.Val215Met (NM_001377271.1, NM_001377272.1, NM_001256105.1); short protein forms V215M, V230M.
Identifiers: ClinVar variation 3681699 (VCV003681699.2).